The following is an entry in ClinVar:

NM_002529.4(NTRK1):c.1713C>A (p.His571Gln)

Gene: NTRK1 (neurotrophic receptor tyrosine kinase 1; plus strand). Cytogenetic location: 1q23.1.
Variant type: single nucleotide variant.
Coding change: c.1713C>A on transcript NM_002529.4 (MANE Select); coding-DNA position 1713, C replaced by A.
Protein change: p.His571Gln; replaces histidine 571 with glutamine.
Molecular consequence: missense variant.
Genome position (GRCh38, 1-based): chr1:156,876,480, C>A. VCF-style: chr1-156876480-C-A. GRCh37 (hg19) VCF-style: chr1-156846272-C-A.
Other names: c.1713C>A, p.His571Gln (NM_001007204.1); c.1605C>A, p.His535Gln (NM_001007792.1); c.1695C>A, p.His565Gln (NM_001012331.2); short protein forms H565Q, H571Q, H535Q.
Identifiers: ClinVar variation 1971884 (VCV001971884.2), dbSNP rs2102919525, ClinGen allele CA342938558.

ClinVar aggregate classification (germline): Uncertain significance (1 of 4 stars; one submission).

Conditions:
Hereditary insensitivity to pain with anhidrosis (CIPA). Also called: INSENSITIVITY TO PAIN, CONGENITAL, WITH ANHIDROSIS; hereditary sensory and autonomic neuropathy type 4; HSAN Type IV; NTRK1 Congenital Insensitivity to Pain with Anhidrosis; FAMILIAL DYSAUTONOMIA, TYPE II; NEUROPATHY, CONGENITAL SENSORY, WITH ANHIDROSIS. Identifiers: Orphanet 642, MedGen C0020074, MONDO:0009746, OMIM 256800.

Submission:

Labcorp Genetics (formerly Invitae), Labcorp
Classification: Uncertain significance for Hereditary insensitivity to pain with anhidrosis. Last evaluated: 2021-09-26. Review status: criteria provided, single submitter. Criteria: Invitae Variant Classification Sherloc (09022015). Collection method: clinical testing. Allele origin: germline.
Comment: This sequence change replaces histidine with glutamine at codon 565 of the NTRK1 protein (p.His565Gln). The histidine residue is highly conserved and there is a small physicochemical difference between histidine and glutamine. This variant is not present in population databases (ExAC no frequency). This variant has not been reported in the literature in individuals affected with NTRK1-related conditions. Advanced modeling of protein sequence and biophysical properties (such as structural, functional, and spatial information, amino acid conservation, physicochemical variation, residue mobility, and thermodynamic stability) performed at Invitae indicates that this missense variant is not expected to disrupt NTRK1 protein function. In summary, the available evidence is currently insufficient to determine the role of this variant in disease. Therefore, it has been classified as a Variant of Uncertain Significance.